The following is an entry in ClinVar:

ClinVar aggregate classification (germline): Benign. Review status: criteria provided, multiple submitters, no conflicts (2 of 4 stars). 2 submissions from 2 submitters: Benign (2). Last evaluated 2026-02-03.

Conditions:
Congenital prothrombin deficiency. Also called: Hereditary factor II deficiency disease; HYPOPROTHROMBINEMIA; Factor II deficiency; Inherited hypoprothrombinemia; Congenital factor II deficiency; Inherited prothrombin deficiency. Identifiers: Orphanet 325, MedGen C0272317, MONDO:0013361, OMIM 613679.

Allele frequency attached by ClinVar (database versions not stated): 1000 Genomes Project 0.00240; ESP Exome Variant Server 0.00323; 1000 Genomes Project 30x 0.00234; gnomAD exomes 0.00487; TOPMed 0.00233; gnomAD 0.00456.
gnomAD v4.1: 7,708 of 1,603,286 alleles (0.48%); highest among the groups gnomAD compares: Non-Finnish European, 0.44%; 60 homozygotes.

Submissions (2):

Labcorp Genetics (formerly Invitae), Labcorp
Classification: Benign for Congenital prothrombin deficiency. Last evaluated: 2026-02-03. Review status: criteria provided, single submitter. Criteria: Invitae Variant Classification Sherloc (09022015). Collection method: clinical testing. Allele origin: germline.

Mayo Clinic Laboratories, Mayo Clinic
Classification: Benign. Last evaluated: 2025-03-07. Review status: criteria provided, single submitter. Criteria: ACMG Guidelines, 2015. Collection method: clinical testing. Allele origin: germline. Observed: 4 variant alleles.
Comment: BS1, BS2, BP4, BP7

NM_000506.5(F2):c.1003+18C>T

Gene: F2 (coagulation factor II, thrombin; plus strand). Cytogenetic location: 11p11.2.
Variant type: single nucleotide variant.
Coding change: c.1003+18C>T on transcript NM_000506.5 (MANE Select); 18 bases into the intron after coding-DNA position 1003, C replaced by T.
Molecular consequence: intron variant.
Genome position (GRCh38, 1-based): chr11:46,726,644, C>T. VCF-style: chr11-46726644-C-T. GRCh37 (hg19) VCF-style: chr11-46748194-C-T.
Other names: p.?.
Identifiers: ClinVar variation 2859411 (VCV002859411.4), dbSNP rs117682331, ClinGen allele CA5967128.